The following is an entry in ClinVar:

NM_005585.5(SMAD6):c.1256C>T (p.Ala419Val)

Gene: SMAD6 (SMAD family member 6; plus strand). Cytogenetic location: 15q22.31.
Variant type: single nucleotide variant.
Coding change: c.1256C>T on transcript NM_005585.5 (MANE Select); coding-DNA position 1256, C replaced by T.
Protein change: p.Ala419Val; replaces alanine 419 with valine.
Molecular consequence: missense variant. On other transcripts: non-coding transcript variant (1).
Genome position (GRCh38, 1-based): chr15:66,781,300, C>T. VCF-style: chr15-66781300-C-T. GRCh37 (hg19) VCF-style: chr15-67073638-C-T.
Other names: short protein forms A419V.
Identifiers: ClinVar variation 648654 (VCV000648654.14), dbSNP rs145093897, ClinGen allele CA7626767.

ClinVar aggregate classification (germline): Likely benign. Review status: criteria provided, multiple submitters, no conflicts (2 of 4 stars). 4 submissions from 4 submitters: Likely benign (3). 1 of the submissions does not count toward it. Last evaluated 2026-02-02.

Conditions:
SMAD6-related disease. Also called: SMAD6-related condition; SMAD6-related disorder. Identifiers: MedGen CN381596, MONDO:0700324.
Inborn genetic diseases. Identifiers: MedGen C0950123, MeSH D030342.
Aortic valve disease 2 (AOVD2). Identifiers: MedGen C3542024, MONDO:0013902, OMIM 614823.

Allele frequency attached by ClinVar (database versions not stated): gnomAD exomes 0.00013 and 0.00019; ExAC 0.00016; gnomAD 0.00038 and 0.00041; TOPMed 0.00045; ESP Exome Variant Server 0.00055; 1000 Genomes Project 30x 0.00062; 1000 Genomes Project 0.00080.
gnomAD v4.1: 340 of 1,603,162 alleles (0.021%); highest among the groups gnomAD compares: East Asian, 0.51%; 2 homozygotes.

Submissions (4):

Labcorp Genetics (formerly Invitae), Labcorp
Classification: Likely benign for Aortic valve disease 2. Last evaluated: 2026-02-02. Review status: criteria provided, single submitter. Criteria: Invitae Variant Classification Sherloc (09022015). Collection method: clinical testing. Allele origin: germline.

Women's Health and Genetics/Laboratory Corporation of America, LabCorp
Classification: Likely benign. Last evaluated: 2025-10-27. Review status: criteria provided, single submitter. Criteria: LabCorp Variant Classification Summary - May 2015. Collection method: clinical testing. Allele origin: germline.
Comment: Variant summary: SMAD6 c.1256C>T (p.Ala419Val) results in a non-conservative amino acid change in the encoded protein sequence. Algorithms developed to predict the effect of missense changes on protein structure and function all suggest that this variant is likely to be disruptive. The variant allele was found at a frequency of 0.00013 in 230458 control chromosomes. The observed variant frequency exceeds the estimated maximal expected allele frequency for disease-causing variants in SMAD6. To our knowledge, no occurrence of c.1256C>T in individuals affected with SMAD6-related conditions and no experimental evidence demonstrating its impact on protein function have been reported. ClinVar contains an entry for this variant (Variation ID: 648654). Based on the evidence outlined above, the variant was classified as likely benign.

Ambry Genetics
Classification: Likely benign for Inborn genetic diseases. Last evaluated: 2023-11-22. Review status: criteria provided, single submitter. Criteria: Ambry Variant Classification Scheme 2023. Collection method: clinical testing. Allele origin: germline.

PreventionGenetics, part of Exact Sciences
Classification: Likely benign for SMAD6-related condition. Last evaluated: 2024-02-16. Review status: no assertion criteria provided. Collection method: clinical testing. Allele origin: germline. Not counted in ClinVar's aggregate classification.
Comment: This variant is classified as likely benign based on ACMG/AMP sequence variant interpretation guidelines (Richards et al. 2015 PMID: 25741868, with internal and published modifications).